The following is an entry in ClinVar:

ClinVar aggregate classification (germline): Uncertain significance (1 of 4 stars; one submission).

Submission:

GeneDx
Classification: Uncertain significance. Last evaluated: 2019-11-19. Review status: criteria provided, single submitter. Criteria: GeneDx Variant Classification Process June 2021. Collection method: clinical testing. Allele origin: germline. Affected: yes.
Comment: Has not been previously published as pathogenic or benign to our knowledge; Not observed in large population cohorts (Lek et al., 2016); In silico analysis, which includes protein predictors and evolutionary conservation, supports a deleterious effect

NM_020297.4(ABCC9):c.4330G>C (p.Glu1444Gln)

Genes: ABCC9 (ATP binding cassette subfamily C member 9; minus strand), KCNJ8-AS1 (KCNJ8 antisense RNA 1; plus strand). Cytogenetic location: 12p12.1.
Variant type: single nucleotide variant.
Coding change: c.4330G>C on transcript NM_020297.4 (MANE Select); coding-DNA position 4330, G replaced by C.
Protein change: p.Glu1444Gln; replaces glutamic acid 1444 with glutamine.
Molecular consequence: missense variant.
Genome position (GRCh38, 1-based): chr12:21,807,465, C>G on the plus strand (G>C on the coding strand, the complement: ABCC9 is on the minus strand). VCF-style: chr12-21807465-C-G. GRCh37 (hg19) VCF-style: chr12-21960399-C-G.
Other names: c.4330G>C, p.Glu1444Gln (NM_001377273.1, NM_005691.4); c.3463G>C, p.Glu1155Gln (NM_001377274.1); short protein forms E1155Q, E1444Q.
Identifiers: ClinVar variation 1310426 (VCV001310426.2), dbSNP rs1941934047, ClinGen allele CA384132140.